The following is an entry in ClinVar:

NM_001903.5(CTNNA1):c.1390-6T>C

Gene: CTNNA1 (catenin alpha 1; plus strand). Cytogenetic location: 5q31.2.
Variant type: single nucleotide variant.
Coding change: c.1390-6T>C on transcript NM_001903.5 (MANE Select); 6 bases into the intron before coding-DNA position 1390, T replaced by C.
Molecular consequence: intron variant.
Genome position (GRCh38, 1-based): chr5:138,917,736, T>C. VCF-style: chr5-138917736-T-C. GRCh37 (hg19) VCF-style: chr5-138253425-T-C.
Other names: c.1390-6T>C (NM_001323982.2, NM_001323984.2, NM_001290307.3 and 2 more transcripts); c.1297-6T>C (NM_001323986.2); c.1021-6T>C (NM_001290310.3); c.1081-6T>C (NM_001290309.3); c.280-6T>C (NM_001323996.1, NM_001323993.1, NM_001324005.1 and 17 more transcripts); c.-60-6T>C (NM_001324007.1, NM_001324009.1, NM_001324006.1 and 2 more transcripts); c.37-6T>C (NM_001324013.1, NM_001324012.1); c.187-6T>C (NM_001324011.1).
Identifiers: ClinVar variation 1124986 (VCV001124986.10), dbSNP rs2150233541, ClinGen allele CA2499217659.

ClinVar aggregate classification (germline): Likely benign. Review status: criteria provided, multiple submitters, no conflicts (2 of 4 stars). 2 submissions from 2 submitters: Likely benign (2). Last evaluated 2024-10-11.

Conditions:
Hereditary diffuse gastric adenocarcinoma (HDGC). Also called: DIFFUSE GASTRIC AND LOBULAR BREAST CANCER SYNDROME. Identifiers: Orphanet 26106, MedGen C1708349, MONDO:0007648, OMIM 137215.

Submissions (2):

Myriad Genetics, Inc.
Classification: Likely benign for Hereditary diffuse gastric adenocarcinoma. Last evaluated: 2024-10-11. Review status: criteria provided, single submitter. Criteria: Myriad Autosomal Dominant, Autosomal Recessive and X-Linked Classification Criteria (2023). Collection method: clinical testing. Allele origin: unknown.
Comment: This variant is considered likely benign. This variant is intronic and is not expected to impact mRNA splicing.

Labcorp Genetics (formerly Invitae), Labcorp
Classification: Likely benign. Last evaluated: 2021-01-27. Review status: criteria provided, single submitter. Criteria: Invitae Variant Classification Sherloc (09022015). Collection method: clinical testing. Allele origin: germline.